The following is an entry in ClinVar:

NM_000245.4(MET):c.2365-3T>C

Gene: MET (MET proto-oncogene, receptor tyrosine kinase; plus strand). Cytogenetic location: 7q31.2.
Variant type: single nucleotide variant.
Coding change: c.2365-3T>C on transcript NM_000245.4 (MANE Select); 3 bases into the intron before coding-DNA position 2365, T replaced by C.
Molecular consequence: intron variant.
Genome position (GRCh38, 1-based): chr7:116,763,047, T>C. VCF-style: chr7-116763047-T-C. GRCh37 (hg19) VCF-style: chr7-116403101-T-C.
Other names: c.2419-3T>C (NM_001127500.3); c.1075-3T>C (NM_001324402.2); c.2365-3T>C (NM_001324401.3).
Identifiers: ClinVar variation 2112641 (VCV002112641.4), dbSNP rs2485740154, ClinGen allele CA2580076233.

ClinVar aggregate classification (germline): Uncertain significance (1 of 4 stars; one submission).

Conditions:
Renal cell carcinoma. Identifiers: Orphanet 217071, MedGen C0007134, MeSH D002292, MONDO:0005086, HP:0005584.

Submission:

Labcorp Genetics (formerly Invitae), Labcorp
Classification: Uncertain significance for Renal cell carcinoma. Last evaluated: 2022-03-15. Review status: criteria provided, single submitter. Criteria: Invitae Variant Classification Sherloc (09022015). Collection method: clinical testing. Allele origin: germline.
Comment: In summary, the available evidence is currently insufficient to determine the role of this variant in disease. Therefore, it has been classified as a Variant of Uncertain Significance. Variants that disrupt the consensus splice site are a relatively common cause of aberrant splicing (PMID: 17576681, 9536098). Algorithms developed to predict the effect of sequence changes on RNA splicing suggest that this variant is not likely to affect RNA splicing. This variant has not been reported in the literature in individuals affected with MET-related conditions. This variant is not present in population databases (gnomAD no frequency). This sequence change falls in intron 10 of the MET gene. It does not directly change the encoded amino acid sequence of the MET protein. It affects a nucleotide within the consensus splice site.

Literature cited by the submitters: PubMed 17576681; PubMed 9536098.